The following is an entry in ClinVar:

ClinVar aggregate classification (germline): Uncertain significance (1 of 4 stars; one submission).

Conditions:
Progressive familial heart block type IB (PFHB1B). Identifiers: Orphanet 871, MedGen C1970298, MONDO:0011474, OMIM 604559.

Allele frequency attached by ClinVar (database versions not stated): ExAC 0.00002.

Submission:

Labcorp Genetics (formerly Invitae), Labcorp
Classification: Uncertain significance for Progressive familial heart block type IB. Last evaluated: 2022-07-22. Review status: criteria provided, single submitter. Criteria: Invitae Variant Classification Sherloc (09022015). Collection method: clinical testing. Allele origin: germline.
Comment: In summary, the available evidence is currently insufficient to determine the role of this variant in disease. Therefore, it has been classified as a Variant of Uncertain Significance. Algorithms developed to predict the effect of missense changes on protein structure and function are either unavailable or do not agree on the potential impact of this missense change (SIFT: "Tolerated"; PolyPhen-2: "Possibly Damaging"; Align-GVGD: "Class C0"). This variant has not been reported in the literature in individuals affected with TRPM4-related conditions. This variant is not present in population databases (gnomAD no frequency). This sequence change replaces aspartic acid, which is acidic and polar, with glycine, which is neutral and non-polar, at codon 862 of the TRPM4 protein (p.Asp862Gly).

NM_017636.4(TRPM4):c.2585A>G (p.Asp862Gly)

Gene: TRPM4 (transient receptor potential cation channel subfamily M member 4; plus strand). Cytogenetic location: 19q13.33.
Variant type: single nucleotide variant.
Coding change: c.2585A>G on transcript NM_017636.4 (MANE Select); coding-DNA position 2585, A replaced by G.
Protein change: p.Asp862Gly; replaces aspartic acid 862 with glycine.
Molecular consequence: missense variant. On other transcripts: intron variant (1).
Genome position (GRCh38, 1-based): chr19:49,196,814, A>G. VCF-style: chr19-49196814-A-G. GRCh37 (hg19) VCF-style: chr19-49700071-A-G.
Other names: c.2240A>G, p.Asp747Gly (NM_001321281.2); c.977A>G, p.Asp326Gly (NM_001321282.2); c.2063A>G, p.Asp688Gly (NM_001321283.2); c.1523A>G, p.Asp508Gly (NM_001321285.2); c.2211-3486A>G (NM_001195227.2); short protein forms D508G, D688G, D326G, D862G, D747G.
Identifiers: ClinVar variation 1970751 (VCV001970751.5), dbSNP rs757363938, ClinGen allele CA9569584.